The following is an entry in ClinVar:

ClinVar aggregate classification (germline): Uncertain significance (1 of 4 stars; one submission).

Conditions:
Multiple congenital anomalies-hypotonia-seizures syndrome 1 (MCAHS1). Also called: GLYCOSYLPHOSPHATIDYLINOSITOL BIOSYNTHESIS DEFECT 3; PIGN-CDG; Congenital disorder of glycosylation due to PIGN deficiency. Identifiers: Orphanet 280633, MedGen C3279775, MONDO:0013563, OMIM 614080.

Allele frequency attached by ClinVar (database versions not stated): gnomAD exomes below 0.00001.
gnomAD v4.1: 3 of 1,516,608 alleles (0.0002%); highest among the groups gnomAD compares: Admixed American, 0.0064%; no homozygotes.

Submission:

Labcorp Genetics (formerly Invitae), Labcorp
Classification: Uncertain significance for Multiple congenital anomalies-hypotonia-seizures syndrome 1. Last evaluated: 2021-03-11. Review status: criteria provided, single submitter. Criteria: Invitae Variant Classification Sherloc (09022015). Collection method: clinical testing. Allele origin: germline.
Comment: This sequence change replaces alanine with threonine at codon 189 of the PIGN protein (p.Ala189Thr). The alanine residue is moderately conserved and there is a small physicochemical difference between alanine and threonine. This variant is not present in population databases (ExAC no frequency). This variant has not been reported in the literature in individuals with PIGN-related conditions. Algorithms developed to predict the effect of missense changes on protein structure and function (SIFT, PolyPhen-2, Align-GVGD) all suggest that this variant is likely to be tolerated, but these predictions have not been confirmed by published functional studies and their clinical significance is uncertain. In summary, the available evidence is currently insufficient to determine the role of this variant in disease. Therefore, it has been classified as a Variant of Uncertain Significance.

NM_176787.5(PIGN):c.565G>A (p.Ala189Thr)

Gene: PIGN (phosphatidylinositol glycan anchor biosynthesis class N; minus strand). Cytogenetic location: 18q21.33.
Variant type: single nucleotide variant.
Coding change: c.565G>A on transcript NM_176787.5 (MANE Select); coding-DNA position 565, G replaced by A.
Protein change: p.Ala189Thr; replaces alanine 189 with threonine.
Molecular consequence: missense variant.
Genome position (GRCh38, 1-based): chr18:62,148,323, C>T on the plus strand (G>A on the coding strand, the complement: PIGN is on the minus strand). VCF-style: chr18-62148323-C-T. GRCh37 (hg19) VCF-style: chr18-59815556-C-T.
Other names: c.565G>A, p.Ala189Thr (NM_012327.6); short protein forms A189T.
Identifiers: ClinVar variation 1380952 (VCV001380952.8), dbSNP rs2147313473, ClinGen allele CA402602303.